The following is an entry in ClinVar:

NM_000283.4(PDE6B):c.2352+2C>T

Gene: PDE6B (phosphodiesterase 6B; plus strand). Cytogenetic location: 4p16.3.
Variant type: single nucleotide variant.
Coding change: c.2352+2C>T on transcript NM_000283.4 (MANE Select); the canonical splice donor site of the intron after coding-DNA position 2352, C replaced by T.
Molecular consequence: splice donor variant.
Genome position (GRCh38, 1-based): chr4:666,616, C>T. VCF-style: chr4-666616-C-T. GRCh37 (hg19) VCF-style: chr4-660405-C-T.
Other names: c.2352+2C>T (NM_001145291.2); c.1515+2C>T (NM_001379246.1, NM_001379247.1, NM_001145292.2 and 1 more transcripts); c.1197+2C>T (NM_001350155.3).
Identifiers: ClinVar variation 1024114 (VCV001024114.12), dbSNP rs751661904, ClinGen allele CA2795016.

ClinVar aggregate classification (germline): Uncertain significance. Review status: criteria provided, multiple submitters, no conflicts (2 of 4 stars). 3 submissions from 3 submitters: Uncertain significance (3). Last evaluated 2026-01-01.

Allele frequency attached by ClinVar (database versions not stated): gnomAD 0.00001 and 0.00002; gnomAD exomes 0.00001; ExAC 0.00002; TOPMed 0.00002.
gnomAD v4.1: 10 of 1,601,292 alleles (0.00062%); highest among the groups gnomAD compares: Admixed American, 0.0033%; no homozygotes.

Submissions (3):

CeGaT Center for Human Genetics Tuebingen
Classification: Uncertain significance. Last evaluated: 2026-01-01. Review status: criteria provided, single submitter. Criteria: CeGaT Center For Human Genetics Tuebingen Variant Classification Criteria Version 2. Collection method: clinical testing. Allele origin: germline. Affected: yes. Observed: 1 variant allele.
Comment: PDE6B: PM2

Labcorp Genetics (formerly Invitae), Labcorp
Classification: Uncertain significance. Last evaluated: 2025-04-23. Review status: criteria provided, single submitter. Criteria: Invitae Variant Classification Sherloc (09022015). Collection method: clinical testing. Allele origin: germline.
Comment: This sequence change falls in intron 20 of the PDE6B gene. It does not directly change the encoded amino acid sequence of the PDE6B protein. It affects a nucleotide within the consensus splice site. This variant is present in population databases (rs751661904, gnomAD 0.006%). This variant has not been reported in the literature in individuals affected with PDE6B-related conditions. ClinVar contains an entry for this variant (Variation ID: 1024114). Variants that disrupt the consensus splice site are a relatively common cause of aberrant splicing (PMID: 17576681, 9536098). In summary, the available evidence is currently insufficient to determine the role of this variant in disease. Therefore, it has been classified as a Variant of Uncertain Significance.

Blueprint Genetics
Classification: Uncertain significance. Last evaluated: 2024-04-16. Review status: criteria provided, single submitter. Criteria: ACMG Guidelines, 2015. Collection method: clinical testing. Allele origin: germline.

Literature cited by the submitters: PubMed 17576681 (cited by Labcorp Genetics (formerly Invitae), Labcorp); PubMed 9536098 (cited by Labcorp Genetics (formerly Invitae), Labcorp).